The following is an entry in ClinVar:

NM_002880.4(RAF1):c.997C>G (p.Arg333Gly)

Gene: RAF1 (Raf-1 proto-oncogene, serine/threonine kinase; minus strand). Cytogenetic location: 3p25.2.
Variant type: single nucleotide variant.
Coding change: c.997C>G on transcript NM_002880.4 (MANE Select); coding-DNA position 997, C replaced by G.
Protein change: p.Arg333Gly; replaces arginine 333 with glycine.
Molecular consequence: missense variant. On other transcripts: non-coding transcript variant (3).
Genome position (GRCh38, 1-based): chr3:12,599,802, G>C on the plus strand (C>G on the coding strand, the complement: RAF1 is on the minus strand). VCF-style: chr3-12599802-G-C. GRCh37 (hg19) VCF-style: chr3-12641301-G-C.
Other names: c.1057C>G, p.Arg353Gly (NM_001354689.3); c.997C>G, p.Arg333Gly (NM_001354690.3); c.754C>G, p.Arg252Gly (NM_001354691.3, NM_001354692.3); c.898C>G, p.Arg300Gly (NM_001354693.3); c.814C>G, p.Arg272Gly (NM_001354694.3); c.655C>G, p.Arg219Gly (NM_001354695.3); short protein forms R219G, R252G, R300G, R333G, R272G, R353G.
Identifiers: ClinVar variation 1365999 (VCV001365999.8), dbSNP rs551466727, ClinGen allele CA351508020.

ClinVar aggregate classification (germline): Uncertain significance (1 of 4 stars; one submission).

Conditions:
RASopathy. Also called: Noonan spectrum disorder; rasopathies. Identifiers: Orphanet 536391, MedGen C5555857, MONDO:0021060.

gnomAD v4.1: 1 of 1,612,302 alleles (0.000062%); highest among the groups gnomAD compares: Non-Finnish European, 0.000085%; no homozygotes.

Submission:

Labcorp Genetics (formerly Invitae), Labcorp
Classification: Uncertain significance for RASopathy. Last evaluated: 2021-07-13. Review status: criteria provided, single submitter. Criteria: Invitae Variant Classification Sherloc (09022015). Collection method: clinical testing. Allele origin: germline.
Comment: This sequence change replaces arginine with glycine at codon 333 of the RAF1 protein (p.Arg333Gly). The arginine residue is highly conserved and there is a moderate physicochemical difference between arginine and glycine. This variant is not present in population databases (ExAC no frequency). This variant has not been reported in the literature in individuals affected with RAF1-related conditions. Algorithms developed to predict the effect of missense changes on protein structure and function (SIFT, PolyPhen-2, Align-GVGD) all suggest that this variant is likely to be tolerated. In summary, the available evidence is currently insufficient to determine the role of this variant in disease. Therefore, it has been classified as a Variant of Uncertain Significance.